The following is an entry in ClinVar:

NM_005477.3(HCN4):c.3304C>T (p.Arg1102Cys)

Gene: HCN4 (hyperpolarization activated cyclic nucleotide gated potassium channel 4; minus strand). Cytogenetic location: 15q24.1.
Variant type: single nucleotide variant.
Coding change: c.3304C>T on transcript NM_005477.3 (MANE Select); coding-DNA position 3304, C replaced by T.
Protein change: p.Arg1102Cys; replaces arginine 1102 with cysteine.
Molecular consequence: missense variant.
Genome position (GRCh38, 1-based): chr15:73,322,789, G>A on the plus strand (C>T on the coding strand, the complement: HCN4 is on the minus strand). VCF-style: chr15-73322789-G-A. GRCh37 (hg19) VCF-style: chr15-73615130-G-A.
Other names: short protein forms R1102C.
Identifiers: ClinVar variation 404129 (VCV000404129.21), dbSNP rs760392343, ClinGen allele CA7648851.

ClinVar aggregate classification (germline): Conflicting classifications of pathogenicity. Review status: criteria provided, conflicting classifications (1 of 4 stars). 6 submissions from 6 submitters: Uncertain significance (5); Likely benign (1). Last evaluated 2026-01-14.

Conditions:
Cardiovascular phenotype. Identifiers: MedGen CN230736.
Cardiomyopathy (CMYO). Also called: Cardiomyopathies. Identifiers: Orphanet 167848, MedGen C0878544, MONDO:0004994, HP:0001638. Inheritance: Various modes of inheritance.
Brugada syndrome 8 (BRGDA8). Identifiers: Orphanet 130, MedGen C2751083, MONDO:0013148, OMIM 613123.

Allele frequency attached by ClinVar (database versions not stated): ExAC below 0.00001; gnomAD 0.00001; TOPMed 0.00002; gnomAD exomes 0.00003.
gnomAD v4.1: 46 of 1,553,078 alleles (0.003%); highest among the groups gnomAD compares: African/African-American, 0.011%; no homozygotes.

Submissions (6):

Labcorp Genetics (formerly Invitae), Labcorp
Classification: Uncertain significance for Brugada syndrome 8. Last evaluated: 2026-01-14. Review status: criteria provided, single submitter. Criteria: Invitae Variant Classification Sherloc (09022015). Collection method: clinical testing. Allele origin: germline.
Comment: This sequence change replaces arginine, which is basic and polar, with cysteine, which is neutral and slightly polar, at codon 1102 of the HCN4 protein (p.Arg1102Cys). The frequency data for this variant in the population databases is considered unreliable, as metrics indicate poor data quality at this position in the gnomAD database. This variant has not been reported in the literature in individuals affected with HCN4-related conditions. ClinVar contains an entry for this variant (Variation ID: 404129). Invitae Evidence Modeling of protein sequence and biophysical properties (such as structural, functional, and spatial information, amino acid conservation, physicochemical variation, residue mobility, and thermodynamic stability) indicates that this missense variant is not expected to disrupt HCN4 protein function with a negative predictive value of 95%. In summary, the available evidence is currently insufficient to determine the role of this variant in disease. Therefore, it has been classified as a Variant of Uncertain Significance.

Blueprint Genetics
Classification: Likely benign. Last evaluated: 2024-03-21. Review status: criteria provided, single submitter. Criteria: ACMG Guidelines, 2015. Collection method: clinical testing. Allele origin: germline.

Women's Health and Genetics/Laboratory Corporation of America, LabCorp
Classification: Uncertain significance. Last evaluated: 2024-03-19. Review status: criteria provided, single submitter. Criteria: LabCorp Variant Classification Summary - May 2015. Collection method: clinical testing. Allele origin: germline.
Comment: Variant summary: HCN4 c.3304C>T (p.Arg1102Cys) results in a non-conservative amino acid change in the encoded protein sequence. Three of five in-silico tools predict a damaging effect of the variant on protein function. The variant allele was found at a frequency of 3.1e-05 in 158982 control chromosomes. The available data on variant occurrences in the general population are insufficient to allow any conclusion about variant significance. c.3304C>T has been reported in the literature as a VUS in a stillborn infant (e.g. Sahlin_2019). This report does not provide unequivocal conclusions about association of the variant with Sick Sinus Syndrome 2. To our knowledge, no experimental evidence demonstrating an impact on protein function has been reported. The following publication has been ascertained in the context of this evaluation (PMID: 30615648). ClinVar contains an entry for this variant (Variation ID: 404129). Based on the evidence outlined above, the variant was classified as uncertain significance.

Ambry Genetics
Classification: Uncertain significance for Cardiovascular phenotype. Last evaluated: 2022-09-14. Review status: criteria provided, single submitter. Criteria: Ambry Variant Classification Scheme 2023. Collection method: clinical testing. Allele origin: germline.

Center for Advanced Laboratory Medicine, UC San Diego Health, University of California San Diego
Classification: Uncertain significance for Cardiomyopathy. Last evaluated: 2019-01-31. Review status: criteria provided, single submitter. Criteria: ACMG Guidelines, 2015. Collection method: clinical testing. Allele origin: germline. Affected: yes. Observed: 1 variant allele.

Eurofins Ntd Llc (ga)
Classification: Uncertain significance. Last evaluated: 2016-10-25. Review status: criteria provided, single submitter. Criteria: EGL Classification Definitions 2015. Collection method: clinical testing. Allele origin: germline. Observed: 1 variant allele, 1 heterozygote.

Literature cited by the submitters: PubMed 30615648 (cited by Women's Health and Genetics/Laboratory Corporation of America, LabCorp).